The following is an entry in ClinVar:

NM_018979.4(WNK1):c.6969A>C (p.Pro2323=)

Gene: WNK1 (WNK lysine deficient protein kinase 1; plus strand). Cytogenetic location: 12p13.33.
Variant type: single nucleotide variant.
Coding change: c.6969A>C on transcript NM_018979.4 (MANE Select); coding-DNA position 6969, A replaced by C.
Protein change: p.Pro2323=; no amino-acid change (proline 2323 retained).
Molecular consequence: synonymous variant.
Genome position (GRCh38, 1-based): chr12:908,612, A>C. VCF-style: chr12-908612-A-C. GRCh37 (hg19) VCF-style: chr12-1017778-A-C.
Other names: c.7749A>C, p.Pro2583= (NM_001184985.2); c.6225A>C, p.Pro2075= (NM_014823.3); c.7725A>C, p.Pro2575= (NM_213655.5).
Identifiers: ClinVar variation 3029810 (VCV003029810.2), dbSNP rs1955896542, ClinGen allele CA478084707.

ClinVar aggregate classification (germline): Likely benign (0 of 4 stars; one submission).

Conditions:
WNK1-related disorder. Also called: WNK1-related condition.

Submission:

PreventionGenetics, part of Exact Sciences
Classification: Likely benign for WNK1-related condition. Last evaluated: 2021-06-23. Review status: no assertion criteria provided. Collection method: clinical testing. Allele origin: germline.
Comment: This variant is classified as likely benign based on ACMG/AMP sequence variant interpretation guidelines (Richards et al. 2015 PMID: 25741868, with internal and published modifications).